The following is an entry in ClinVar:

NM_000297.4(PKD2):c.423dup (p.Gly142fs)

Genes: PKD2 (polycystin 2, transient receptor potential cation channel; plus strand), LOC129992813 (ATAC-STARR-seq lymphoblastoid silent region 15559; plus strand). Cytogenetic location: 4q22.1.
Variant type: Duplication.
Coding change: c.423dup on transcript NM_000297.4 (MANE Select); coding-DNA position 423, one base duplicated (T; older notation c.423dupT).
Protein change: p.Gly142fs; shifts the reading frame from glycine 142.
Molecular consequence: frameshift variant. On other transcripts: non-coding transcript variant (1).
Genome position (GRCh38, 1-based): chr4:88,008,156, T duplicated; the last of 2 consecutive T bases (chr4:88,008,155-88,008,156); duplicating either gives the same sequence. VCF-style (leftmost placement, unchanged base first): chr4-88008154-C-CT. GRCh37 (hg19) VCF-style: chr4-88929306-C-CT.
Other names: short protein forms G142fs.
Identifiers: ClinVar variation 997139 (VCV000997139.5), dbSNP rs1726246959, ClinGen allele CA1474562365.

ClinVar aggregate classification (germline): Pathogenic/Likely pathogenic. Review status: criteria provided, multiple submitters, no conflicts (2 of 4 stars). 4 submissions from 4 submitters: Pathogenic (1); Likely pathogenic (2). 1 of the submissions does not count toward it. Last evaluated 2024-01-04.

Conditions:
Polycystic kidney disease. Also called: Kidney, Polycystic; Polycystic kidney dysplasia. Identifiers: MedGen C0022680, MeSH D007690, MONDO:0020642, HP:0000113.
Polycystic kidney disease 2 (PKD2). Also called: Polycystic Kidney Disease 2, Autosomal Dominant; POLYCYSTIC KIDNEY DISEASE, ADULT, TYPE II; POLYCYSTIC KIDNEY DISEASE 2 WITH OR WITHOUT POLYCYSTIC LIVER DISEASE. Identifiers: MedGen C2751306, MONDO:0013131, OMIM 613095.
PKD2-related disorder. Also called: PKD2-related condition.

Submissions (4):

Fulgent Genetics
Classification: Pathogenic for Polycystic kidney disease 2. Last evaluated: 2024-01-04. Review status: criteria provided, single submitter. Criteria: ACMG Guidelines, 2015. Collection method: clinical testing. Allele origin: germline.

Genetic Services Laboratory, University of Chicago
Classification: Likely pathogenic. Last evaluated: 2023-08-14. Review status: criteria provided, single submitter. Criteria: ACMG Guidelines, 2015. Collection method: clinical testing. Allele origin: germline. Affected: yes.
Comment: DNA sequence analysis of the PKD2 gene demonstrated a single base pair duplication in exon 1, c.423dup. This sequence change results in an amino acid frameshift and creates a premature stop codon 70 amino acids downstream of the change, p.Gly142Trpfs*71. This sequence change is predicted to result in an abnormal transcript, which may be degraded, or may lead to the production of a truncated PKD2 protein with potentially abnormal function. The c.423dup sequence change has not been described in the population databases such as ExAC and gnomAD. This duplication does not appear to have been previously described in individuals with PKD2-related disorders. Based on these collective evidences, this sequence change is classified as likely pathogenic, however functional studies have not been performed to prove this conclusively.

Blueprint Genetics
Classification: Likely pathogenic for PKD2-related disorders. Last evaluated: 2020-12-07. Review status: criteria provided, single submitter. Criteria: ACMG Guidelines, 2015. Collection method: clinical testing. Allele origin: germline. Affected: yes. Observed: 1 variant allele.

Department of Pathology and Laboratory Medicine, Sinai Health System
Classification: Pathogenic for Polycystic Kidney disease. Review status: no assertion criteria provided. Collection method: clinical testing. Allele origin: unknown. Affected: yes. Study: The Canadian Open Genetics Repository (COGR). Not counted in ClinVar's aggregate classification.
Comment: The PKD2 p.Gly142Trpfs*71 variant was not identified in the literature nor was it identified in the dbSNP, ClinVar, LOVD 3.0, ADPKD Mutation Database, or PKD1-LOVD databases. The variant was not identified in the following control databases: the Exome Aggregation Consortium (August 8th 2016), or the Genome Aggregation Database (Feb 27, 2017). The c.423dup variant is predicted to cause a frameshift, which alters the protein amino acid sequence beginning at codon 142 and leads to a premature stop codon 71 codons downstream. This alteration is then predicted to result in a truncated or absent protein and loss of function. Loss of function variants of the PKD2 gene are an established mechanism of disease in autosomal dominant polycystic kidney disease and is the type of variant expected to cause the disorder. In summary, based on the above information this variant meets our laboratoryâ€šÃ„Ã´s criteria to be classified as pathogenic.